The following is an entry in ClinVar:

NM_000548.5(TSC2):c.3690G>A (p.Glu1230=)

Gene: TSC2 (TSC complex subunit 2; plus strand). Cytogenetic location: 16p13.3.
Variant type: single nucleotide variant.
Coding change: c.3690G>A on transcript NM_000548.5 (MANE Select); coding-DNA position 3690, G replaced by A.
Protein change: p.Glu1230=; no amino-acid change (glutamic acid 1230 retained).
Molecular consequence: synonymous variant.
Genome position (GRCh38, 1-based): chr16:2,081,674, G>A. VCF-style: chr16-2081674-G-A. GRCh37 (hg19) VCF-style: chr16-2131675-G-A.
Other names: c.3558G>A, p.Glu1186= (NM_001077183.3, NM_001370404.1); c.3690G>A, p.Glu1230= (NM_001114382.3); c.3450G>A, p.Glu1150= (NM_001318827.2); c.3414G>A, p.Glu1138= (NM_001318829.2); c.2958G>A, p.Glu986= (NM_001318831.2); c.3591G>A, p.Glu1197= (NM_001318832.2); c.3561G>A, p.Glu1187= (NM_001363528.2, NM_001370405.1, NM_021055.3).
Identifiers: ClinVar variation 231525 (VCV000231525.21), dbSNP rs876659207, ClinGen allele CA10579893.

ClinVar aggregate classification (germline): Benign/Likely benign. Review status: criteria provided, multiple submitters, no conflicts (2 of 4 stars). 7 submissions from 7 submitters: Benign (2); Likely benign (5). Last evaluated 2025-11-28.

Conditions:
Hereditary cancer-predisposing syndrome. Also called: Hereditary Cancer Syndrome; Neoplastic Syndromes, Hereditary; Tumor predisposition; Hereditary neoplastic syndrome. Identifiers: Orphanet 140162, MedGen C0027672, MeSH D009386, MONDO:0015356.
Tuberous sclerosis syndrome (TSC). Also called: Tuberous sclerosis; Tuberous Sclerosis Complex. Identifiers: Orphanet 805, MedGen C0041341, MONDO:0001734.
Tuberous sclerosis 2 (TSC2). Identifiers: Orphanet 805, MedGen C1860707, MONDO:0013199, OMIM 613254.

Allele frequency attached by ClinVar (database versions not stated): gnomAD exomes below 0.00001 and 0.00001; gnomAD 0.00001; TOPMed 0.00001.
gnomAD v4.1: 9 of 1,612,890 alleles (0.00056%); highest among the groups gnomAD compares: South Asian, 0.0011%; no homozygotes.

Submissions (7):

Labcorp Genetics (formerly Invitae), Labcorp
Classification: Likely benign for Tuberous sclerosis 2. Last evaluated: 2025-11-28. Review status: criteria provided, single submitter. Criteria: Invitae Variant Classification Sherloc (09022015). Collection method: clinical testing. Allele origin: germline.

Myriad Genetics, Inc.
Classification: Benign for Tuberous sclerosis 2. Last evaluated: 2025-05-30. Review status: criteria provided, single submitter. Criteria: Myriad Autosomal Dominant, Autosomal Recessive and X-Linked Classification Criteria (2023). Collection method: clinical testing. Allele origin: unknown.
Comment: This variant is considered benign. This variant is a silent/synonymous amino acid change and it is not expected to impact splicing.

All of Us Research Program, National Institutes of Health
Classification: Likely benign for Tuberous sclerosis syndrome. Last evaluated: 2024-07-20. Review status: criteria provided, single submitter. Criteria: ACMG Guidelines, 2015. Collection method: clinical testing. Allele origin: germline. Inheritance: Autosomal dominant inheritance. Observed: 6 variant alleles, 6 heterozygotes.
Comment: This study involves interpretation of variants in research participants for the purpose of population health screening. Participant phenotype was not available at the time of variant classification. Additional details can be found in publication PMID: 35346344, PMCID: PMC8962531

Color Diagnostics, LLC DBA Color Health
Classification: Likely benign for Tuberous sclerosis syndrome. Last evaluated: 2022-10-03. Review status: criteria provided, single submitter. Criteria: ACMG Guidelines, 2015. Collection method: clinical testing. Allele origin: germline.

Genome-Nilou Lab
Classification: Benign for Tuberous sclerosis 2. Last evaluated: 2021-11-07. Review status: criteria provided, single submitter. Criteria: ACMG Guidelines, 2015. Collection method: clinical testing. Allele origin: germline. Affected: no.

GeneDx
Classification: Likely benign. Last evaluated: 2016-10-11. Review status: criteria provided, single submitter. Criteria: GeneDx Variant Classification (06012015). Collection method: clinical testing. Allele origin: germline. Affected: yes.
Comment: This variant is considered likely benign or benign based on one or more of the following criteria: it is a conservative change, it occurs at a poorly conserved position in the protein, it is predicted to be benign by multiple in silico algorithms, and/or has population frequency not consistent with disease.

Ambry Genetics
Classification: Likely benign for Hereditary cancer-predisposing syndrome. Last evaluated: 2015-05-01. Review status: criteria provided, single submitter. Criteria: Ambry Variant Classification Scheme 2023. Collection method: clinical testing. Allele origin: germline.